The following is an entry in ClinVar:

NM_000548.5(TSC2):c.907C>A (p.Leu303Ile)

Gene: TSC2 (TSC complex subunit 2; plus strand). Cytogenetic location: 16p13.3.
Variant type: single nucleotide variant.
Coding change: c.907C>A on transcript NM_000548.5 (MANE Select); coding-DNA position 907, C replaced by A.
Protein change: p.Leu303Ile; replaces leucine 303 with isoleucine.
Molecular consequence: missense variant.
Genome position (GRCh38, 1-based): chr16:2,058,805, C>A. VCF-style: chr16-2058805-C-A. GRCh37 (hg19) VCF-style: chr16-2108806-C-A.
Other names: c.907C>A, p.Leu303Ile (NM_001077183.3, NM_001114382.3, NM_001363528.2 and 3 more transcripts); c.796C>A, p.Leu266Ile (NM_001318827.2); c.760C>A, p.Leu254Ile (NM_001318829.2); c.307C>A, p.Leu103Ile (NM_001318831.2); c.940C>A, p.Leu314Ile (NM_001318832.2); short protein forms L303I, L103I, L266I, L254I, L314I.
Identifiers: ClinVar variation 406034 (VCV000406034.14), dbSNP rs1060500943, ClinGen allele CA16614909.
Genomic context (GRCh38, chr16:2,058,805, plus strand): 5'-AGAGCCTACATGGAGGACGCGCCCCTGCTGAGAGGAGCCGTGTTTTTTGTGGGCATGGCT[C>A]TCTGGGGAGCCCACCGGCTCTATTCTCTCAGGAACTCGCCGACATCTGTGTTGCCATCAT-3'
Protein context (NP_000539.2, residues 293-313): RGAVFFVGMA[Leu303Ile]WGAHRLYSLR

ClinVar aggregate classification (germline): Uncertain significance. Review status: criteria provided, multiple submitters, no conflicts (2 of 4 stars). 3 submissions from 3 submitters: Uncertain significance (3). Last evaluated 2025-11-25.

Conditions:
Hereditary cancer-predisposing syndrome. Also called: Tumor predisposition; Neoplastic Syndromes, Hereditary; Hereditary Cancer Syndrome; Hereditary neoplastic syndrome. Identifiers: Orphanet 140162, MedGen C0027672, MeSH D009386, MONDO:0015356.
Tuberous sclerosis syndrome (TSC). Also called: Tuberous Sclerosis Complex; Tuberous sclerosis. Identifiers: Orphanet 805, MedGen C0041341, MONDO:0001734.
Tuberous sclerosis 2 (TSC2). Identifiers: Orphanet 805, MedGen C1860707, MONDO:0013199, OMIM 613254.

gnomAD v4.1: 1 of 1,599,726 alleles (0.000063%); highest among the groups gnomAD compares: Non-Finnish European, 0.000085%; no homozygotes.

Submissions (3):

Labcorp Genetics (formerly Invitae), Labcorp
Classification: Uncertain significance for Tuberous sclerosis 2. Last evaluated: 2025-11-25. Review status: criteria provided, single submitter. Criteria: Invitae Variant Classification Sherloc (09022015). Collection method: clinical testing. Allele origin: germline.
Comment: This sequence change replaces leucine, which is neutral and non-polar, with isoleucine, which is neutral and non-polar, at codon 303 of the TSC2 protein (p.Leu303Ile). This variant is not present in population databases (gnomAD no frequency). This variant has not been reported in the literature in individuals affected with TSC2-related conditions. ClinVar contains an entry for this variant (Variation ID: 406034). Invitae Evidence Modeling of protein sequence and biophysical properties (such as structural, functional, and spatial information, amino acid conservation, physicochemical variation, residue mobility, and thermodynamic stability) indicates that this missense variant is not expected to disrupt TSC2 protein function with a negative predictive value of 95%. In summary, the available evidence is currently insufficient to determine the role of this variant in disease. Therefore, it has been classified as a Variant of Uncertain Significance.

All of Us Research Program, National Institutes of Health
Classification: Uncertain significance for Tuberous sclerosis syndrome. Last evaluated: 2023-12-13. Review status: criteria provided, single submitter. Criteria: ACMG Guidelines, 2015. Collection method: clinical testing. Allele origin: germline. Inheritance: Autosomal dominant inheritance. Observed: 1 variant allele, 1 heterozygote.
Comment: This missense variant replaces leucine with isoleucine at codon 303 of the TSC2 protein. Computational prediction suggests that this variant may not impact protein structure and function (internally defined REVEL score threshold <= 0.5, PMID: 27666373). To our knowledge, functional studies have not been reported for this variant. This variant has not been reported in individuals affected with tuberous sclerosis complex in the literature. This variant has not been identified in the general population by the Genome Aggregation Database (gnomAD). The available evidence is insufficient to determine the role of this variant in disease conclusively. Therefore, this variant is classified as a Variant of Uncertain Significance.

This study involves interpretation of variants in research participants for the purpose of population health screening. Participant phenotype was not available at the time of variant classification. Additional details can be found in publication PMID: 35346344, PMCID: PMC8962531

Ambry Genetics
Classification: Uncertain significance for Hereditary cancer-predisposing syndrome. Last evaluated: 2022-07-08. Review status: criteria provided, single submitter. Criteria: Ambry Variant Classification Scheme 2023. Collection method: clinical testing. Allele origin: germline.
Comment: The p.L303I variant (also known as c.907C>A), located in coding exon 9 of the TSC2 gene, results from a C to A substitution at nucleotide position 907. The leucine at codon 303 is replaced by isoleucine, an amino acid with highly similar properties. This amino acid position is conserved. In addition, the in silico prediction for this alteration is inconclusive. Since supporting evidence is limited at this time, the clinical significance of this alteration remains unclear.